The following is an entry in ClinVar:

ClinVar aggregate classification (germline): Uncertain significance (1 of 4 stars; one submission).

Allele frequency attached by ClinVar (database versions not stated): gnomAD exomes below 0.00001; ExAC 0.00010.
gnomAD v4.1: 6 of 1,450,366 alleles (0.00041%); highest among the groups gnomAD compares: African/African-American, 0.003%; no homozygotes.

Submission:

Labcorp Genetics (formerly Invitae), Labcorp
Classification: Uncertain significance. Last evaluated: 2022-07-08. Review status: criteria provided, single submitter. Criteria: Invitae Variant Classification Sherloc (09022015). Collection method: clinical testing. Allele origin: germline.
Comment: This variant has not been reported in the literature in individuals affected with CRB2-related conditions. In summary, the available evidence is currently insufficient to determine the role of this variant in disease. Therefore, it has been classified as a Variant of Uncertain Significance. Advanced modeling of protein sequence and biophysical properties (such as structural, functional, and spatial information, amino acid conservation, physicochemical variation, residue mobility, and thermodynamic stability) performed at Invitae indicates that this missense variant is not expected to disrupt CRB2 protein function. The frequency data for this variant in the population databases is considered unreliable, as metrics indicate poor data quality at this position in the gnomAD database. This sequence change replaces serine, which is neutral and polar, with leucine, which is neutral and non-polar, at codon 971 of the CRB2 protein (p.Ser971Leu).

NM_173689.7(CRB2):c.2912C>T (p.Ser971Leu)

Gene: CRB2 (crumbs cell polarity complex component 2; plus strand). Cytogenetic location: 9q33.3.
Variant type: single nucleotide variant.
Coding change: c.2912C>T on transcript NM_173689.7 (MANE Select); coding-DNA position 2912, C replaced by T.
Protein change: p.Ser971Leu; replaces serine 971 with leucine.
Molecular consequence: missense variant. On other transcripts: non-coding transcript variant (1).
Genome position (GRCh38, 1-based): chr9:123,373,443, C>T. VCF-style: chr9-123373443-C-T. GRCh37 (hg19) VCF-style: chr9-126135722-C-T.
Other names: short protein forms S971L.
Identifiers: ClinVar variation 1902432 (VCV001902432.5), dbSNP rs777713938, ClinGen allele CA5232322.